The following is an entry in ClinVar:

ClinVar aggregate classification (germline): Uncertain significance. Review status: criteria provided, multiple submitters, no conflicts (2 of 4 stars). 2 submissions from 2 submitters: Uncertain significance (2). Last evaluated 2025-01-27.

Conditions:
OTOGL-related disorder. Also called: OTOGL-related condition.
Inborn genetic diseases. Identifiers: MedGen C0950123, MeSH D030342.

Allele frequency attached by ClinVar (database versions not stated): gnomAD 0.00001; TOPMed 0.00001.

Submissions (2):

PreventionGenetics, part of Exact Sciences
Classification: Uncertain significance for OTOGL-related condition. Last evaluated: 2025-01-27. Review status: criteria provided, single submitter. Criteria: ACMG Guidelines, 2015. Collection method: clinical testing. Allele origin: germline.
Comment: The OTOGL c.5038G>T variant is predicted to result in the amino acid substitution p.Asp1680Tyr. To our knowledge, this variant has not been reported in the literature. This variant is reported in 0.0043% of alleles in individuals of African descent in gnomAD. At this time, the clinical significance of this variant is uncertain due to the absence of conclusive functional and genetic evidence.

Ambry Genetics
Classification: Uncertain significance for Inborn genetic diseases. Last evaluated: 2023-01-23. Review status: criteria provided, single submitter. Criteria: Ambry Variant Classification Scheme 2023. Collection method: clinical testing. Allele origin: germline.

NM_001378609.3(OTOGL):c.5065G>T (p.Asp1689Tyr)

Gene: OTOGL (otogelin like; plus strand). Cytogenetic location: 12q21.31.
Variant type: single nucleotide variant.
Coding change: c.5065G>T on transcript NM_001378609.3 (MANE Select); coding-DNA position 5065, G replaced by T.
Protein change: p.Asp1689Tyr; replaces aspartic acid 1689 with tyrosine.
Molecular consequence: missense variant.
Genome position (GRCh38, 1-based): chr12:80,341,962, G>T. VCF-style: chr12-80341962-G-T. GRCh37 (hg19) VCF-style: chr12-80735742-G-T.
Other names: c.4930G>T, p.Asp1644Tyr (NM_001368062.3); c.5065G>T, p.Asp1689Tyr (NM_001378610.3, NM_173591.7); short protein forms D1644Y, D1689Y.
Identifiers: ClinVar variation 2471393 (VCV002471393.3), dbSNP rs1029025019, ClinGen allele CA240224834.